The following is an entry in ClinVar:

NM_000441.2(SLC26A4):c.2089+3A>G

Gene: SLC26A4 (solute carrier family 26 member 4; plus strand). Cytogenetic location: 7q22.3.
Variant type: single nucleotide variant.
Coding change: c.2089+3A>G on transcript NM_000441.2 (MANE Select); 3 bases into the intron after coding-DNA position 2089, A replaced by G.
Molecular consequence: intron variant.
Genome position (GRCh38, 1-based): chr7:107,704,388, A>G. VCF-style: chr7-107704388-A-G. GRCh37 (hg19) VCF-style: chr7-107344833-A-G.
Identifiers: ClinVar variation 1205228 (VCV001205228.7), dbSNP rs753682653, ClinGen allele CA4433025.
Genomic context (GRCh38, chr7:107,704,388, plus strand): 5'-TAGATTGTCAAAGAATTCCAAAGAATTGATGTGAATGTGTATTTTGCATCACTTCAAGGT[A>G]AATACATATATCTACATATCTACCTGTAAGACTTTCCCGTAAGCCCTTTCTCCTATCTGG-3'

ClinVar aggregate classification (germline): Uncertain significance. Review status: criteria provided, multiple submitters, no conflicts (2 of 4 stars). 4 submissions from 4 submitters: Uncertain significance (3). 1 of the submissions does not count toward it. Last evaluated 2025-10-17.

Conditions:
Pendred syndrome (PDS). Also called: GOITER-DEAFNESS SYNDROME; HYPOTHYROIDISM, CONGENITAL, DUE TO DYSHORMONOGENESIS, 2B; Pendred Syndrome (PDS); DEAFNESS WITH GOITER; Pendred's syndrome; THYROID DYSHORMONOGENESIS 2B. Identifiers: Orphanet 705, MedGen C0271829, MONDO:0010134, OMIM 274600.

gnomAD v4.1: 24 of 1,219,294 alleles (0.002%); highest among the groups gnomAD compares: Admixed American, 0.041%; no homozygotes.

Submissions (4):

Women's Health and Genetics/Laboratory Corporation of America, LabCorp
Classification: Uncertain significance. Last evaluated: 2025-10-17. Review status: criteria provided, single submitter. Criteria: LabCorp Variant Classification Summary - May 2015. Collection method: clinical testing. Allele origin: germline.

Labcorp Genetics (formerly Invitae), Labcorp
Classification: Uncertain significance. Last evaluated: 2022-07-06. Review status: criteria provided, single submitter. Criteria: Invitae Variant Classification Sherloc (09022015). Collection method: clinical testing. Allele origin: germline.
Comment: This sequence change falls in intron 18 of the SLC26A4 gene. It does not directly change the encoded amino acid sequence of the SLC26A4 protein. It affects a nucleotide within the consensus splice site. This variant is present in population databases (rs753682653, gnomAD 0.06%). This variant has not been reported in the literature in individuals affected with SLC26A4-related conditions. ClinVar contains an entry for this variant (Variation ID: 1205228). Variants that disrupt the consensus splice site are a relatively common cause of aberrant splicing (PMID: 17576681, 9536098). Algorithms developed to predict the effect of sequence changes on RNA splicing suggest that this variant is not likely to affect RNA splicing. In summary, the available evidence is currently insufficient to determine the role of this variant in disease. Therefore, it has been classified as a Variant of Uncertain Significance.

GeneDx
Classification: Uncertain significance. Last evaluated: 2021-04-01. Review status: criteria provided, single submitter. Criteria: GeneDx Variant Classification Process June 2021. Collection method: clinical testing. Allele origin: germline. Affected: yes.
Comment: In silico analysis, which includes splice predictors and evolutionary conservation, suggests this variant may impact gene splicing. In the absence of RNA/functional studies, the actual effect of this sequence change is unknown.

Natera, Inc.
Classification: Uncertain significance for Pendred syndrome. Last evaluated: 2020-09-08. Review status: no assertion criteria provided. Collection method: clinical testing. Allele origin: germline. Not counted in ClinVar's aggregate classification.

Literature cited by the submitters: PubMed 17576681 (cited by Labcorp Genetics (formerly Invitae), Labcorp); PubMed 9536098 (cited by Labcorp Genetics (formerly Invitae), Labcorp).